The following is an entry in ClinVar:

NM_000370.3(TTPA):c.564A>T (p.Pro188=)

Gene: TTPA (alpha tocopherol transfer protein; minus strand). Cytogenetic location: 8q12.3.
Variant type: single nucleotide variant.
Coding change: c.564A>T on transcript NM_000370.3 (MANE Select); coding-DNA position 564, A replaced by T.
Protein change: p.Pro188=; no amino-acid change (proline 188 retained).
Molecular consequence: synonymous variant.
Genome position (GRCh38, 1-based): chr8:63,064,305, T>A on the plus strand (A>T on the coding strand, the complement: TTPA is on the minus strand). VCF-style: chr8-63064305-T-A. GRCh37 (hg19) VCF-style: chr8-63976864-T-A.
Identifiers: ClinVar variation 1595051 (VCV001595051.10), dbSNP rs770691829, ClinGen allele CA4763198.

ClinVar aggregate classification (germline): Likely benign. Review status: criteria provided, single submitter (1 of 4 stars). 2 submissions from 2 submitters: Likely benign (1). 1 of the submissions does not count toward it. Last evaluated 2025-02-13.

Conditions:
TTPA-related disorder. Also called: TTPA-related condition.

Allele frequency attached by ClinVar (database versions not stated): gnomAD exomes below 0.00001; ExAC 0.00001; TOPMed 0.00001; gnomAD 0.00002.
gnomAD v4.1: 15 of 1,610,202 alleles (0.00093%); highest among the groups gnomAD compares: African/African-American, 0.0013%; no homozygotes.

Submissions (2):

Labcorp Genetics (formerly Invitae), Labcorp
Classification: Likely benign. Last evaluated: 2025-02-13. Review status: criteria provided, single submitter. Criteria: Invitae Variant Classification Sherloc (09022015). Collection method: clinical testing. Allele origin: germline.

PreventionGenetics, part of Exact Sciences
Classification: Likely benign for TTPA-related condition. Last evaluated: 2019-07-15. Review status: no assertion criteria provided. Collection method: clinical testing. Allele origin: germline. Not counted in ClinVar's aggregate classification.
Comment: This variant is classified as likely benign based on ACMG/AMP sequence variant interpretation guidelines (Richards et al. 2015 PMID: 25741868, with internal and published modifications).